The following is an entry in ClinVar:

ClinVar aggregate classification (germline): Uncertain significance (1 of 4 stars; one submission).

Conditions:
Rubinstein-Taybi syndrome due to EP300 haploinsufficiency. Also called: RUBINSTEIN-TAYBI SYNDROME 2; EP300-Related Rubinstein-Taybi Syndrome. Identifiers: Orphanet 353284, Orphanet 783, MedGen C3150941, MONDO:0013364, OMIM 613684.

gnomAD v4.1: 8 of 1,614,182 alleles (0.0005%); highest among the groups gnomAD compares: Non-Finnish European, 0.00042%; no homozygotes.

Submission:

Labcorp Genetics (formerly Invitae), Labcorp
Classification: Uncertain significance for Rubinstein-Taybi syndrome due to EP300 haploinsufficiency. Last evaluated: 2025-02-12. Review status: criteria provided, single submitter. Criteria: Invitae Variant Classification Sherloc (09022015). Collection method: clinical testing. Allele origin: germline.
Comment: This sequence change replaces alanine, which is neutral and non-polar, with glycine, which is neutral and non-polar, at codon 13 of the EP300 protein (p.Ala13Gly). This variant is present in population databases (rs767107086, gnomAD 0.0009%). This variant has not been reported in the literature in individuals affected with EP300-related conditions. Invitae Evidence Modeling of protein sequence and biophysical properties (such as structural, functional, and spatial information, amino acid conservation, physicochemical variation, residue mobility, and thermodynamic stability) indicates that this missense variant is not expected to disrupt EP300 protein function with a negative predictive value of 95%. In summary, the available evidence is currently insufficient to determine the role of this variant in disease. Therefore, it has been classified as a Variant of Uncertain Significance.

NM_001429.4(EP300):c.38C>G (p.Ala13Gly)

Gene: EP300 (EP300 lysine acetyltransferase; plus strand). Cytogenetic location: 22q13.2.
Variant type: single nucleotide variant.
Coding change: c.38C>G on transcript NM_001429.4 (MANE Select); coding-DNA position 38, C replaced by G.
Protein change: p.Ala13Gly; replaces alanine 13 with glycine.
Molecular consequence: missense variant.
Genome position (GRCh38, 1-based): chr22:41,093,042, C>G. VCF-style: chr22-41093042-C-G. GRCh37 (hg19) VCF-style: chr22-41489046-C-G.
Other names: c.38C>G, p.Ala13Gly (NM_001362843.2); short protein forms A13G.
Identifiers: ClinVar variation 4740161 (VCV004740161.1).
Genomic context (GRCh38, chr22:41,093,042, plus strand): 5'-TTGTATCTCCGAAAGAATTAAAAATGGCCGAGAATGTGGTGGAACCGGGGCCGCCTTCAG[C>G]CAAGCGGCCTAAACTCTCATCTCCGGCCCTCTCGGCGTCCGCCAGCGATGGCACAGGTTA-3'
Protein context (NP_001420.2, residues 3-23): ENVVEPGPPS[Ala13Gly]KRPKLSSPAL